The following is an entry in ClinVar:

NM_000059.4(BRCA2):c.5750C>G (p.Ser1917Ter)

Gene: BRCA2 (BRCA2 DNA repair associated; plus strand). Cytogenetic location: 13q13.1.
Variant type: single nucleotide variant.
Coding change: c.5750C>G on transcript NM_000059.4 (MANE Select); coding-DNA position 5750, C replaced by G.
Protein change: p.Ser1917Ter; replaces serine 1917 with a stop codon.
Molecular consequence: nonsense.
Genome position (GRCh38, 1-based): chr13:32,340,105, C>G. VCF-style: chr13-32340105-C-G. GRCh37 (hg19) VCF-style: chr13-32914242-C-G.
Other names: short protein forms S1917*.
Identifiers: ClinVar variation 462389 (VCV000462389.12), dbSNP rs886040609, ClinGen allele CA387787011.

ClinVar aggregate classification (germline): Pathogenic. Review status: criteria provided, multiple submitters, no conflicts (2 of 4 stars). 3 submissions from 3 submitters: Pathogenic (3). Last evaluated 2025-05-09.

Conditions:
Hereditary cancer-predisposing syndrome. Also called: Neoplastic Syndromes, Hereditary; Hereditary Cancer Syndrome; Hereditary neoplastic syndrome; Tumor predisposition. Identifiers: Orphanet 140162, MedGen C0027672, MeSH D009386, MONDO:0015356.
Hereditary breast ovarian cancer syndrome. Also called: Hereditary breast and ovarian cancer syndrome (HBOC); Hereditary breast and ovarian cancer syndrome; Breast and ovarian cancer; Hereditary breast and/or ovarian cancer syndrome; Hereditary breast and ovarian cancer; BRCA1- and BRCA2-Associated Hereditary Breast and Ovarian Cancer. Identifiers: Orphanet 145, MedGen C0677776, MeSH D061325, MONDO:0003582. Disease mechanism: loss of function.

Submissions (3):

Women's Health and Genetics/Laboratory Corporation of America, LabCorp
Classification: Pathogenic for Hereditary breast ovarian cancer syndrome. Last evaluated: 2025-05-09. Review status: criteria provided, single submitter. Criteria: LabCorp Variant Classification Summary - May 2015. Collection method: clinical testing. Allele origin: germline.
Comment: Variant summary: BRCA2 c.5750C>G (p.Ser1917X) results in a premature termination codon, predicted to cause a truncation of the encoded protein or absence of the protein due to nonsense mediated decay, which are commonly known mechanisms for disease. The variant was absent in 250898 control chromosomes. c.5750C>G has been observed in individual(s) affected with Hereditary Breast And Ovarian Cancer Syndrome (Li_2019). To our knowledge, no experimental evidence demonstrating an impact on protein function has been reported. The following publication have been ascertained in the context of this evaluation (PMID: 29752822). ClinVar contains an entry for this variant (Variation ID: 462389). Based on the evidence outlined above, the variant was classified as pathogenic.

Labcorp Genetics (formerly Invitae), Labcorp
Classification: Pathogenic for Hereditary breast ovarian cancer syndrome. Last evaluated: 2025-03-24. Review status: criteria provided, single submitter. Criteria: Invitae Variant Classification Sherloc (09022015). Collection method: clinical testing. Allele origin: germline.
Comment: This sequence change creates a premature translational stop signal (p.Ser1917*) in the BRCA2 gene. It is expected to result in an absent or disrupted protein product. Loss-of-function variants in BRCA2 are known to be pathogenic (PMID: 20104584). This variant is not present in population databases (gnomAD no frequency). This premature translational stop signal has been observed in individual(s) with personal or family history of breast or ovarian cancer (PMID: 29752822). ClinVar contains an entry for this variant (Variation ID: 462389). For these reasons, this variant has been classified as Pathogenic.

Ambry Genetics
Classification: Pathogenic for Hereditary cancer-predisposing syndrome. Last evaluated: 2022-03-11. Review status: criteria provided, single submitter. Criteria: Ambry Variant Classification Scheme 2023. Collection method: clinical testing. Allele origin: germline.
Comment: The p.S1917* pathogenic mutation (also known as c.5750C>G), located in coding exon 10 of the BRCA2 gene, results from a C to G substitution at nucleotide position 5750. This changes the amino acid from a serine to a stop codon within coding exon 10. This variant was identified in 1/937 Chinese breast cancer patients undergoing multigene panel testing (Li JY et al. Int J Cancer, 2019 01;144:281-289). This variant is considered to be rare based on population cohorts in the Genome Aggregation Database (gnomAD). In addition to the clinical data presented in the literature, this alteration is expected to result in loss of function by premature protein truncation or nonsense-mediated mRNA decay. As such, this alteration is interpreted as a disease-causing mutation.

Literature cited by the submitters: PubMed 29752822 (cited by 3 submitters); PubMed 20104584 (cited by Labcorp Genetics (formerly Invitae), Labcorp).